The following is an entry in ClinVar:

NM_004738.5(VAPB):c.518G>A (p.Cys173Tyr)

Gene: VAPB (VAMP associated protein B and C; plus strand). Cytogenetic location: 20q13.32.
Variant type: single nucleotide variant.
Coding change: c.518G>A on transcript NM_004738.5 (MANE Select); coding-DNA position 518, G replaced by A.
Protein change: p.Cys173Tyr; replaces cysteine 173 with tyrosine.
Molecular consequence: missense variant. On other transcripts: non-coding transcript variant (1), intron variant (1).
Genome position (GRCh38, 1-based): chr20:58,441,028, G>A. VCF-style: chr20-58441028-G-A. GRCh37 (hg19) VCF-style: chr20-57016084-G-A.
Other names: c.518G>A (NM_004738.4); c.212-3049G>A (NM_001195677.2); short protein forms C173Y.
Identifiers: ClinVar variation 1044550 (VCV001044550.10), dbSNP rs1989148708, ClinGen allele CA409439761.
Genomic context (GRCh38, chr20:58,441,028, plus strand): 5'-TGTCTAAGTCTCTGAGTTCTTCTTTGGATGACACCGAAGTTAAGAAGGTTATGGAAGAAT[G>A]TAAGAGGCTGCAAGGTGAAGTTCAGAGGCTACGGGAGGAGAACAAGCAGTTCAAGGTAAT-3'
Protein context (NP_004729.1, residues 163-183): DTEVKKVMEE[Cys173Tyr]KRLQGEVQRL

ClinVar aggregate classification (germline): Uncertain significance. Review status: criteria provided, multiple submitters, no conflicts (2 of 4 stars). 2 submissions from 2 submitters: Uncertain significance (2). Last evaluated 2025-04-30.

Conditions:
Adult-onset proximal spinal muscular atrophy, autosomal dominant. Also called: FINKEL LATE-ADULT TYPE SMA; Spinal muscular atrophy, late-onset, finkel type. Identifiers: Orphanet 209335, MedGen C1854058, MONDO:0008453, OMIM 182980.
Amyotrophic lateral sclerosis type 8 (ALS8). Identifiers: Orphanet 803, MedGen C1837728, MONDO:0012077, OMIM 608627.

Allele frequency attached by ClinVar (database versions not stated): TOPMed below 0.00001.

Submissions (2):

GeneDx
Classification: Uncertain significance. Last evaluated: 2025-04-30. Review status: criteria provided, single submitter. Criteria: GeneDx Variant Classification Process June 2021. Collection method: clinical testing. Allele origin: germline. Affected: yes.
Comment: Not observed at significant frequency in large population cohorts (gnomAD); In silico analysis supports that this missense variant has a deleterious effect on protein structure/function; Has not been previously published as pathogenic or benign to our knowledge

Labcorp Genetics (formerly Invitae), Labcorp
Classification: Uncertain significance for Adult-onset proximal spinal muscular atrophy, autosomal dominant; Amyotrophic lateral sclerosis type 8. Last evaluated: 2025-02-27. Review status: criteria provided, single submitter. Criteria: Invitae Variant Classification Sherloc (09022015). Collection method: clinical testing. Allele origin: germline.
Comment: This sequence change replaces cysteine, which is neutral and slightly polar, with tyrosine, which is neutral and polar, at codon 173 of the VAPB protein (p.Cys173Tyr). This variant is not present in population databases (gnomAD no frequency). This variant has not been reported in the literature in individuals affected with VAPB-related conditions. ClinVar contains an entry for this variant (Variation ID: 1044550). Invitae Evidence Modeling of protein sequence and biophysical properties (such as structural, functional, and spatial information, amino acid conservation, physicochemical variation, residue mobility, and thermodynamic stability) indicates that this missense variant is not expected to disrupt VAPB protein function with a negative predictive value of 80%. In summary, the available evidence is currently insufficient to determine the role of this variant in disease. Therefore, it has been classified as a Variant of Uncertain Significance.